The following is an entry in ClinVar:

ClinVar aggregate classification (germline): Uncertain significance (1 of 4 stars; one submission).

Submission:

GeneDx
Classification: Uncertain significance. Last evaluated: 2020-01-22. Review status: criteria provided, single submitter. Criteria: GeneDx Variant Classification Process June 2021. Collection method: clinical testing. Allele origin: germline. Affected: yes.
Comment: Has not been previously published as pathogenic or benign to our knowledge; Not observed in large population cohorts (Lek et al., 2016); In silico analysis, which includes protein predictors and evolutionary conservation, supports a deleterious effect

NM_000363.5(TNNI3):c.328_329delinsAC (p.Glu110Thr)

Gene: TNNI3 (troponin I3, cardiac type; minus strand). Cytogenetic location: 19q13.42.
Variant type: Indel.
Coding change: c.328_329delinsAC on transcript NM_000363.5 (MANE Select); coding-DNA positions 328 to 329, GA replaced by AC.
Protein change: p.Glu110Thr; replaces glutamic acid 110 with threonine.
Molecular consequence: missense variant.
Genome position (GRCh38, 1-based): chr19:55,154,784-55,154,785, TC replaced by GT on the plus strand (GA replaced by AC on the coding strand, the reverse complement: TNNI3 is on the minus strand). VCF-style: chr19-55154784-TC-GT. GRCh37 (hg19) VCF-style: chr19-55666152-TC-GT.
Other names: short protein forms E110T.
Identifiers: ClinVar variation 1314770 (VCV001314770.2), dbSNP rs2147283705, ClinGen allele CA2573054831.